The following is an entry in ClinVar:

ClinVar aggregate classification (germline): Pathogenic (1 of 4 stars; one submission).

Conditions:
Fabry disease. Also called: ALPHA-GALACTOSIDASE A DEFICIENCY; ANDERSON-FABRY DISEASE; CERAMIDE TRIHEXOSIDASE DEFICIENCY; GLA DEFICIENCY; HEREDITARY DYSTOPIC LIPIDOSIS; Angiokeratoma corporis diffusum. Identifiers: Orphanet 324, MedGen C0002986, MONDO:0010526, OMIM 301500, HP:0001071. Disease mechanism: Fabry disease is due to inactivating mutations in the X-linked GLA gene resulting in deficiency of the enzyme Alpha Galactosidase-A., loss of function.

Submission:

Genomenon, Inc
Classification: Pathogenic for Fabry disease. Last evaluated: 2026-09-08. Review status: criteria provided, single submitter. Criteria: Genomenon Sequence Variant Interpretation Standards - Updated. Collection method: curation. Allele origin: germline. Affected: yes.
Comment: GLA p.Phe396ValfsTer3 (c.1185dup) is a frameshift variant that is predicted to introduce a premature termination codon and result in a truncated or absent protein product. This variant has been observed in at least one proband with clinical features consistent with Fabry disease (PMID:39337589). It is absent or not present at a significant frequency in gnomAD. In conclusion, we classify GLA p.Phe396ValfsTer3 (c.1185dup) as a pathogenic variant.

Literature cited by the submitters: PubMed 39337589.

NM_000169.3(GLA):c.1185dup (p.Phe396fs)

Genes: GLA (galactosidase alpha; minus strand), RPL36A-HNRNPH2 (RPL36A-HNRNPH2 readthrough; plus strand). Cytogenetic location: Xq22.1.
Variant type: Duplication.
Coding change: c.1185dup on transcript NM_000169.3 (MANE Select); coding-DNA position 1185, one base duplicated (G; older notation c.1185dupG).
Protein change: p.Phe396fs; shifts the reading frame from phenylalanine 396.
Molecular consequence: frameshift variant. On other transcripts: non-coding transcript variant (3), intron variant (2).
Genome position (GRCh38, 1-based): chrX:101,397,914, C duplicated on the plus strand (G on the coding strand, the reverse complement: GLA is on the minus strand); the first of 3 consecutive C bases (chrX:101,397,914-101,397,916); duplicating any one gives the same sequence. VCF-style (leftmost placement, unchanged base first): chrX-101397913-A-AC. GRCh37 (hg19) VCF-style: chrX-100652901-A-AC.
Other names: c.1308dup, p.Phe437fs (NM_001406747.1); c.300+2459dup (NM_001199973.2); c.177+6094dup (NM_001199974.2); short protein forms F396fs, F437fs.
Identifiers: ClinVar variation 4087075 (VCV004087075.2).